The following is an entry in ClinVar:

ClinVar aggregate classification (germline): Uncertain significance (1 of 4 stars; one submission).

Conditions:
Myofibrillar myopathy 3 (MFM3). Also called: Muscular dystrophy, proximal, type 1A; Autosomal dominant spheroid body myopathy. Identifiers: Orphanet 266, Orphanet 268129, MedGen C3714934, MONDO:0012215, OMIM 609200.

Allele frequency attached by ClinVar (database versions not stated): gnomAD exomes below 0.00001; gnomAD 0.00001.
gnomAD v4.1: 6 of 1,561,236 alleles (0.00038%); highest among the groups gnomAD compares: Admixed American, 0.0017%; no homozygotes.

Submission:

Labcorp Genetics (formerly Invitae), Labcorp
Classification: Uncertain significance for Myofibrillar myopathy 3. Last evaluated: 2025-06-19. Review status: criteria provided, single submitter. Criteria: Invitae Variant Classification Sherloc (09022015). Collection method: clinical testing. Allele origin: germline.
Comment: This sequence change falls in intron 7 of the MYOT gene. It does not directly change the encoded amino acid sequence of the MYOT protein. It affects a nucleotide within the consensus splice site. This variant is present in population databases (no rsID available, gnomAD 0.007%). This variant has not been reported in the literature in individuals affected with MYOT-related conditions. ClinVar contains an entry for this variant (Variation ID: 859200). Variants that disrupt the consensus splice site are a relatively common cause of aberrant splicing (PMID: 17576681, 9536098). Algorithms developed to predict the effect of sequence changes on RNA splicing suggest that this variant is not likely to affect RNA splicing. In summary, the available evidence is currently insufficient to determine the role of this variant in disease. Therefore, it has been classified as a Variant of Uncertain Significance.

Literature cited by the submitters: PubMed 17576681; PubMed 9536098.

NM_006790.3(MYOT):c.1025-3T>C

Genes: MYOT (myotilin; plus strand), PKD2L2-DT (PKD2L2 divergent transcript; minus strand). Cytogenetic location: 5q31.2.
Variant type: single nucleotide variant.
Coding change: c.1025-3T>C on transcript NM_006790.3 (MANE Select); 3 bases into the intron before coding-DNA position 1025, T replaced by C.
Molecular consequence: intron variant.
Genome position (GRCh38, 1-based): chr5:137,886,045, T>C. VCF-style: chr5-137886045-T-C. GRCh37 (hg19) VCF-style: chr5-137221734-T-C.
Other names: c.680-3T>C (NM_001300911.2); c.473-3T>C (NM_001135940.2).
Identifiers: ClinVar variation 859200 (VCV000859200.10), dbSNP rs1410370327, ClinGen allele CA563258172.